The following is an entry in ClinVar:

ClinVar aggregate classification (germline): Uncertain significance (1 of 4 stars; one submission).

Allele frequency attached by ClinVar (database versions not stated): gnomAD exomes 0.00001 and 0.00002; TOPMed 0.00001; ExAC 0.00003.
gnomAD v4.1: 10 of 1,613,910 alleles (0.00062%); highest among the groups gnomAD compares: Admixed American, 0.0083%; no homozygotes.

Submission:

Labcorp Genetics (formerly Invitae), Labcorp
Classification: Uncertain significance. Last evaluated: 2021-09-09. Review status: criteria provided, single submitter. Criteria: Invitae Variant Classification Sherloc (09022015). Collection method: clinical testing. Allele origin: germline.
Comment: This sequence change replaces threonine with methionine at codon 1647 of the OBSL1 protein (p.Thr1647Met). The threonine residue is weakly conserved and there is a moderate physicochemical difference between threonine and methionine. This variant is present in population databases (rs771909036, ExAC 0.01%). This variant has not been reported in the literature in individuals affected with OBSL1-related conditions. Algorithms developed to predict the effect of missense changes on protein structure and function are either unavailable or do not agree on the potential impact of this missense change (SIFT: "Deleterious"; PolyPhen-2: "Probably Damaging"; Align-GVGD: "Class C0"). In summary, the available evidence is currently insufficient to determine the role of this variant in disease. Therefore, it has been classified as a Variant of Uncertain Significance.

NM_015311.3(OBSL1):c.4940C>T (p.Thr1647Met)

Gene: OBSL1 (obscurin like cytoskeletal adaptor 1; minus strand). Cytogenetic location: 2q35.
Variant type: single nucleotide variant.
Coding change: c.4940C>T on transcript NM_015311.3 (MANE Select); coding-DNA position 4940, C replaced by T.
Protein change: p.Thr1647Met; replaces threonine 1647 with methionine.
Molecular consequence: missense variant.
Genome position (GRCh38, 1-based): chr2:219,553,623, G>A on the plus strand (C>T on the coding strand, the complement: OBSL1 is on the minus strand). VCF-style: chr2-219553623-G-A. GRCh37 (hg19) VCF-style: chr2-220418345-G-A.
Other names: short protein forms T1647M.
Identifiers: ClinVar variation 1475988 (VCV001475988.3), dbSNP rs771909036, ClinGen allele CA2130370.